The following is an entry in ClinVar:

ClinVar aggregate classification (germline): Pathogenic (1 of 4 stars; one submission).

Conditions:
Ichthyosis prematurity syndrome (IPS). Also called: ICHTHYOSIS CONGENITA IV. Identifiers: Orphanet 88621, MedGen C1837610, MONDO:0012089, OMIM 608649.

Submission:

Victorian Clinical Genetics Services, Murdoch Childrens Research Institute
Classification: Pathogenic for Ichthyosis prematurity syndrome. Last evaluated: 2023-07-17. Review status: criteria provided, single submitter. Criteria: ACMG Guidelines, 2015. Collection method: clinical testing. Allele origin: germline. Inheritance: Autosomal recessive inheritance. Affected: yes.
Comment: Based on the classification scheme VCGS_Germline_v1.3.4, this variant is classified as Pathogenic. Following criteria are met: 0102 - Loss of function is a known mechanism of disease in this gene and is associated with ichthyosis prematurity syndrome (MIM#608649). (I) 0106 - This gene is associated with autosomal recessive disease. (I) 0211 - Canonical splice site variant without proven consequence on splicing (no functional evidence available). This variant is a deletion of seven nucleotides of exon 6, which may result in nonsense-mediated decay (NMD), and it also deletes 19 nucleotides of intron 6, including the canonical site. Therefore, the effect on protein sequence is uncertain. (SP) 0251 - This variant is heterozygous. (I) 0301 - Variant is absent from gnomAD (both v2 and v3). (SP) 0505 - Abnormal splicing is predicted by in silico tools and affected nucleotides at this canonical splice site are highly conserved. (SP) 0705 - No comparable variants at this canonical splice site have previous evidence for pathogenicity. Variants predicted to result in NMD have been reported as pathogenic and likely pathogenic (DECIPHER). (I) 0807 - This variant has no previous evidence of pathogenicity. (I) 0905 - No published segregation evidence has been identified for this variant. (I) 1007 - No published functional evidence has been identified for this variant. (I) 1102 - Strong phenotype match for this individual. (I) Legend: (SP) - Supporting pathogenic, (I) - Information, (SB) - Supporting benign

NM_005094.4(SLC27A4):c.871_877+19del

Gene: SLC27A4 (solute carrier family 27 member 4; plus strand). Cytogenetic location: 9q34.11.
Variant type: Deletion.
Coding change: c.871_877+19del on transcript NM_005094.4 (MANE Select); coding-DNA position 871 through 19 bases into the intron after coding-DNA position 877, 26 bases deleted (TCAGCAGGTAACTCTAGGGCTGTCAC).
Molecular consequence: splice donor variant.
Genome position (GRCh38, 1-based): chr9:128,350,569-128,350,594, TCAGCAGGTAACTCTAGGGCTGTCAC deleted; deleting any 26 consecutive bases within chr9:128,350,566-128,350,594 gives the same sequence; the c. name uses the placement nearest the transcript's 3' end. VCF-style (leftmost placement, unchanged base first): chr9-128350565-CCACTCAGCAGGTAACTCTAGGGCTGT-C. GRCh37 (hg19) VCF-style: chr9-131112844-CCACTCAGCAGGTAACTCTAGGGCTGT-C.
Identifiers: ClinVar variation 3254621 (VCV003254621.1), dbSNP rs2539458072.